The following is an entry in ClinVar:

NM_022356.4(P3H1):c.1504G>C (p.Gly502Arg)

Gene: P3H1 (prolyl 3-hydroxylase 1; minus strand). Cytogenetic location: 1p34.2.
Variant type: single nucleotide variant.
Coding change: c.1504G>C on transcript NM_022356.4 (MANE Select); coding-DNA position 1504, G replaced by C.
Protein change: p.Gly502Arg; replaces glycine 502 with arginine.
Molecular consequence: missense variant.
Genome position (GRCh38, 1-based): chr1:42,752,339, C>G on the plus strand (G>C on the coding strand, the complement: P3H1 is on the minus strand). VCF-style: chr1-42752339-C-G. GRCh37 (hg19) VCF-style: chr1-43218010-C-G.
Other names: p.Gly502Arg; c.1504G>C, p.Gly502Arg (NM_001146289.2, NM_001243246.2); short protein forms G502R.
Identifiers: ClinVar variation 426382 (VCV000426382.32), dbSNP rs139259804, ClinGen allele CA801813.

ClinVar aggregate classification (germline): Conflicting classifications of pathogenicity. Review status: criteria provided, conflicting classifications (1 of 4 stars). 11 submissions from 10 submitters: Uncertain significance (8); Likely benign (3). Last evaluated 2026-01-28.

Conditions:
Osteogenesis Imperfecta, Recessive.
P3H1-related disorder. Also called: P3H1-related condition.
Osteogenesis imperfecta type 8 (OI8). Identifiers: MedGen C1970458, MONDO:0012581, OMIM 610915.

Allele frequency attached by ClinVar (database versions not stated): gnomAD 0.00102 and 0.00103; 1000 Genomes Project 30x 0.00047; 1000 Genomes Project 0.00060; TOPMed 0.00086; ExAC 0.00088; gnomAD exomes 0.00091; ESP Exome Variant Server 0.00123.
gnomAD v4.1: 1,824 of 1,614,110 alleles (0.11%); highest among the groups gnomAD compares: Non-Finnish European, 0.12%; 1 homozygote.

Submissions (11):

Labcorp Genetics (formerly Invitae), Labcorp
Classification: Likely benign for Osteogenesis imperfecta type 8. Last evaluated: 2026-01-28. Review status: criteria provided, single submitter. Criteria: Invitae Variant Classification Sherloc (09022015). Collection method: clinical testing. Allele origin: germline.

Mayo Clinic Laboratories, Mayo Clinic
Classification: Uncertain significance. Last evaluated: 2025-11-13. Review status: criteria provided, single submitter. Criteria: ACMG Guidelines, 2015. Collection method: clinical testing. Allele origin: germline. Observed: 1 variant allele.
Comment: PM2_supporting

Women's Health and Genetics/Laboratory Corporation of America, LabCorp
Classification: Likely benign. Last evaluated: 2025-04-08. Review status: criteria provided, single submitter. Criteria: LabCorp Variant Classification Summary - May 2015. Collection method: clinical testing. Allele origin: germline.
Comment: Variant summary: P3H1 c.1504G>C (p.Gly502Arg) results in a non-conservative amino acid change in the encoded protein sequence. Five of five in-silico tools predict a damaging effect of the variant on protein function. The variant allele was found at a frequency of 0.00091 in 251456 control chromosomes, predominantly at a frequency of 0.0012 within the Non-Finnish European subpopulation in the gnomAD database. The observed variant frequency within Non-Finnish European control individuals in the gnomAD database is approximately 1.1 fold of the estimated maximal expected allele frequency for a pathogenic variant in P3H1 causing Osteogenesis Imperfecta phenotype (0.0011), suggesting the variant may be benign. To our knowledge, no occurrence of c.1504G>C in individuals affected with Osteogenesis Imperfecta and no experimental evidence demonstrating its impact on protein function have been reported. ClinVar contains an entry for this variant (Variation ID: 426382). Based on the evidence outlined above, the variant was classified as likely benign.

PreventionGenetics, part of Exact Sciences
Classification: Likely benign for P3H1-related condition. Last evaluated: 2024-12-17. Review status: criteria provided, single submitter. Criteria: ACMG Guidelines, 2015. Collection method: clinical testing. Allele origin: germline.
Comment: This variant is classified as likely benign based on ACMG/AMP sequence variant interpretation guidelines (Richards et al. 2015 PMID: 25741868, with internal and published modifications).

Blueprint Genetics
Classification: Uncertain significance. Last evaluated: 2024-11-20. Review status: criteria provided, single submitter. Criteria: ACMG Guidelines, 2015. Collection method: clinical testing. Allele origin: germline.

Revvity Omics, Revvity
Classification: Uncertain significance for Osteogenesis imperfecta type 8. Last evaluated: 2021-11-16. Review status: criteria provided, single submitter. Criteria: ACMG Guidelines, 2015. Collection method: clinical testing. Allele origin: germline.

ARUP Laboratories, Molecular Genetics and Genomics, ARUP Laboratories
Classification: Uncertain significance for Osteogenesis imperfecta type 8. Last evaluated: 2020-01-28. Review status: criteria provided, single submitter. Criteria: ARUP Molecular Germline Variant Investigation Process. Collection method: clinical testing. Allele origin: germline.
Comment: The P3H1 c.1504G>C; p.Gly502Arg variant (rs139259804), to our knowledge, is not reported in the medical literature but is reported in ClinVar (Variation ID: 426382). This variant is found in the general population with an overall allele frequency of 0.095% (270/282864 alleles) in the Genome Aggregation Database. The glycine at codon 502 is moderately conserved, and/ computational analyses (SIFT, PolyPhen-2) predict that this variant is deleterious. Due to limited information, the clinical significance of the p.Gly502Arg variant is uncertain at this time.

Fulgent Genetics
Classification: Uncertain significance for Osteogenesis imperfecta type 8. Last evaluated: 2018-10-31. Review status: criteria provided, single submitter. Criteria: ACMG Guidelines, 2015. Collection method: clinical testing. Allele origin: unknown.

Illumina Laboratory Services, Illumina
Classification: Uncertain significance for Osteogenesis imperfecta type 8. Last evaluated: 2018-01-12. Review status: criteria provided, single submitter. Criteria: ICSL Variant Classification Criteria 13 December 2019. Collection method: clinical testing. Allele origin: germline.

GeneDx
Classification: Uncertain significance. Last evaluated: 2017-12-18. Review status: criteria provided, single submitter. Criteria: GeneDx Variant Classification (06012015). Collection method: clinical testing. Allele origin: germline. Affected: yes.
Comment: The G502R variant has not been published in association with a LEPRE1-related skeletal dysplasia. The G502R variant is not observed at a significant frequency in large population cohorts (Lek et al., 2016; 1000 Genomes Consortium et al., 2015; Exome Variant Server). The G502R variant is a non-conservative amino acid substitution, which is likely to impact secondary protein structure as these residues differ in polarity, charge, size and/or other properties. This substitution occurs at a position that is conserved across species. In silico analysis predicts this variant is probably damaging to the protein structure/function. In summary, based on the currently available information, it is unclear whether this variant is a pathogenic variant or a rare benign variant.

Illumina Laboratory Services, Illumina
Classification: Uncertain significance for Osteogenesis Imperfecta, Recessive. Last evaluated: 2017-04-27. Review status: criteria provided, single submitter. Criteria: ICSL Variant Classification Criteria 13 December 2019. Collection method: clinical testing. Allele origin: germline.